The following is an entry in ClinVar:

ClinVar aggregate classification (germline): Likely benign (0 of 4 stars; one submission).

Conditions:
SLC17A8-related disorder. Also called: SLC17A8-related condition.

Allele frequency attached by ClinVar (database versions not stated): gnomAD exomes below 0.00001; ExAC 0.00001.
gnomAD v4.1: 3 of 1,614,174 alleles (0.00019%); highest among the groups gnomAD compares: South Asian, 0.0011%; no homozygotes.

Submission:

PreventionGenetics, part of Exact Sciences
Classification: Likely benign for SLC17A8-related condition. Last evaluated: 2021-03-08. Review status: no assertion criteria provided. Collection method: clinical testing. Allele origin: germline.
Comment: This variant is classified as likely benign based on ACMG/AMP sequence variant interpretation guidelines (Richards et al. 2015 PMID: 25741868, with internal and published modifications).

NM_139319.3(SLC17A8):c.1068A>G (p.Ser356=)

Gene: SLC17A8 (solute carrier family 17 member 8; plus strand). Cytogenetic location: 12q23.1.
Variant type: single nucleotide variant.
Coding change: c.1068A>G on transcript NM_139319.3 (MANE Select); coding-DNA position 1068, A replaced by G.
Protein change: p.Ser356=; no amino-acid change (serine 356 retained).
Molecular consequence: synonymous variant.
Genome position (GRCh38, 1-based): chr12:100,404,052, A>G. VCF-style: chr12-100404052-A-G. GRCh37 (hg19) VCF-style: chr12-100797830-A-G.
Other names: c.918A>G, p.Ser306= (NM_001145288.2).
Identifiers: ClinVar variation 3030135 (VCV003030135.2), dbSNP rs768060806, ClinGen allele CA6738929.